The following is an entry in ClinVar:

NM_001379500.1(COL18A1):c.3279C>T (p.Pro1093=)

Genes: COL18A1 (collagen type XVIII alpha 1 chain; plus strand), SLC19A1 (solute carrier family 19 member 1; minus strand). Cytogenetic location: 21q22.3.
Variant type: single nucleotide variant.
Coding change: c.3279C>T on transcript NM_001379500.1 (MANE Select); coding-DNA position 3279, C replaced by T.
Protein change: p.Pro1093=; no amino-acid change (proline 1093 retained).
Molecular consequence: synonymous variant.
Genome position (GRCh38, 1-based): chr21:45,509,385, C>T. VCF-style: chr21-45509385-C-T. GRCh37 (hg19) VCF-style: chr21-46929299-C-T.
Other names: c.3810C>T, p.Pro1270= (NM_030582.4); c.4515C>T, p.Pro1505= (NM_130444.3); c.3810C>T (NM_030582.3).
Identifiers: ClinVar variation 1633094 (VCV001633094.10), dbSNP rs529776494, ClinGen allele CA10067841.
Genomic context (GRCh38, chr21:45,509,385, plus strand): 5'-CGCCGACAGGCCCCACGTCTCCCACCTGCAGGACAATGAAGTGGCCGCCTTGCAGCCCCC[C>T]GTGGTGCAGCTGCACGACAGCAACCCCTACCCGCGGCGGGAGCACCCCCACCCCACCGCG-3'
Protein context (NP_001366429.1, residues 1083-1103): TDNEVAALQP[Pro1093=]VVQLHDSNPY

ClinVar aggregate classification (germline): Likely benign. Review status: criteria provided, multiple submitters, no conflicts (2 of 4 stars). 3 submissions from 3 submitters: Likely benign (3). Last evaluated 2025-11-23.

Conditions:
COL18A1-related disorder. Also called: COL18A1-related disorders; COL18A1-related condition.

Allele frequency attached by ClinVar (database versions not stated): 1000 Genomes Project 0.00040; 1000 Genomes Project 30x 0.00047.
gnomAD v4.1: 26 of 1,542,176 alleles (0.0017%); highest among the groups gnomAD compares: Admixed American, 0.0058%; no homozygotes.

Submissions (3):

Labcorp Genetics (formerly Invitae), Labcorp
Classification: Likely benign. Last evaluated: 2025-11-23. Review status: criteria provided, single submitter. Criteria: Invitae Variant Classification Sherloc (09022015). Collection method: clinical testing. Allele origin: germline.

PreventionGenetics, part of Exact Sciences
Classification: Likely benign for COL18A1-related condition. Last evaluated: 2025-05-12. Review status: criteria provided, single submitter. Criteria: ACMG Guidelines, 2015. Collection method: clinical testing. Allele origin: germline.
Comment: This variant is classified as likely benign based on ACMG/AMP sequence variant interpretation guidelines (Richards et al. 2015 PMID: 25741868, with internal and published modifications).

Blueprint Genetics
Classification: Likely benign. Last evaluated: 2024-08-12. Review status: criteria provided, single submitter. Criteria: ACMG Guidelines, 2015. Collection method: clinical testing. Allele origin: germline.